The following is an entry in ClinVar:

ClinVar aggregate classification (germline): Uncertain significance (1 of 4 stars; one submission).

Conditions:
Encephalopathy, acute, infection-induced (herpes-specific), susceptibility to, 6. Also called: Herpes simplex encephalitis, susceptibility to, 4. Identifiers: Orphanet 1930, MedGen C3553869, MONDO:0013921, OMIM 614850.

Allele frequency attached by ClinVar (database versions not stated): TOPMed below 0.00001.

Submission:

Labcorp Genetics (formerly Invitae), Labcorp
Classification: Uncertain significance for Encephalopathy, acute, infection-induced (herpes-specific), susceptibility to, 6. Last evaluated: 2022-02-10. Review status: criteria provided, single submitter. Criteria: Invitae Variant Classification Sherloc (09022015). Collection method: clinical testing. Allele origin: germline.
Comment: This sequence change replaces lysine, which is basic and polar, with glutamine, which is neutral and polar, at codon 29 of the TICAM1 protein (p.Lys29Gln). This variant is not present in population databases (gnomAD no frequency). This variant has not been reported in the literature in individuals affected with TICAM1-related conditions. Algorithms developed to predict the effect of missense changes on protein structure and function are either unavailable or do not agree on the potential impact of this missense change (SIFT: "Tolerated"; PolyPhen-2: "Possibly Damaging"; Align-GVGD: "Class C0"). In summary, the available evidence is currently insufficient to determine the role of this variant in disease. Therefore, it has been classified as a Variant of Uncertain Significance.

NM_182919.4(TICAM1):c.85A>C (p.Lys29Gln)

Gene: TICAM1 (TIR domain containing adaptor molecule 1; minus strand). Cytogenetic location: 19p13.3.
Variant type: single nucleotide variant.
Coding change: c.85A>C on transcript NM_182919.4 (MANE Select); coding-DNA position 85, A replaced by C.
Protein change: p.Lys29Gln; replaces lysine 29 with glutamine.
Molecular consequence: missense variant. On other transcripts: 5 prime UTR variant (1), intron variant (1).
Genome position (GRCh38, 1-based): chr19:4,818,293, T>G on the plus strand (A>C on the coding strand, the complement: TICAM1 is on the minus strand). VCF-style: chr19-4818293-T-G. GRCh37 (hg19) VCF-style: chr19-4818305-T-G.
Other names: c.43A>C, p.Lys15Gln (NM_001385678.1); c.-51A>C (NM_001385679.1); c.-72+91A>C (NM_001385680.1); short protein forms K15Q, K29Q.
Identifiers: ClinVar variation 1443088 (VCV001443088.8), dbSNP rs2093591387, ClinGen allele CA403493576.